The following is an entry in ClinVar:

ClinVar aggregate classification (germline): Uncertain significance (1 of 4 stars; one submission).

Allele frequency attached by ClinVar (database versions not stated): gnomAD 0.00001; gnomAD exomes 0.00001; TOPMed 0.00002; ESP Exome Variant Server 0.00008.
gnomAD v4.1: 18 of 1,613,926 alleles (0.0011%); highest among the groups gnomAD compares: Non-Finnish European, 0.0015%; no homozygotes.

Submission:

Labcorp Genetics (formerly Invitae), Labcorp
Classification: Uncertain significance. Last evaluated: 2025-12-20. Review status: criteria provided, single submitter. Criteria: Invitae Variant Classification Sherloc (09022015). Collection method: clinical testing. Allele origin: germline.
Comment: This sequence change replaces valine, which is neutral and non-polar, with alanine, which is neutral and non-polar, at codon 1185 of the MCM3AP protein (p.Val1185Ala). This variant is not present in population databases (gnomAD no frequency). This variant has not been reported in the literature in individuals affected with MCM3AP-related conditions. ClinVar contains an entry for this variant (Variation ID: 2081462). An algorithm developed to predict the effect of missense changes on protein structure and function (PolyPhen-2) suggests that this variant is likely to be disruptive. In summary, the available evidence is currently insufficient to determine the role of this variant in disease. Therefore, it has been classified as a Variant of Uncertain Significance.

NM_003906.5(MCM3AP):c.3554T>C (p.Val1185Ala)

Gene: MCM3AP (minichromosome maintenance complex component 3 associated protein; minus strand). Cytogenetic location: 21q22.3.
Variant type: single nucleotide variant.
Coding change: c.3554T>C on transcript NM_003906.5 (MANE Select); coding-DNA position 3554, T replaced by C.
Protein change: p.Val1185Ala; replaces valine 1185 with alanine.
Molecular consequence: missense variant.
Genome position (GRCh38, 1-based): chr21:46,260,820, A>G on the plus strand (T>C on the coding strand, the complement: MCM3AP is on the minus strand). VCF-style: chr21-46260820-A-G. GRCh37 (hg19) VCF-style: chr21-47680734-A-G.
Other names: short protein forms V1185A.
Identifiers: ClinVar variation 2081462 (VCV002081462.4), dbSNP rs369287079, ClinGen allele CA321984828.
Genomic context (GRCh38, chr21:46,260,820, plus strand): 5'-CCTGGCACAGCAAGACACCAGCGTTTCACTTACTTCAACTCCTGGGAGCAGGTTTCCCTC[A>G]CAAACTCCATCATCACGCGTTCCATCAGCTCCACGGCCAGGCCCTGGCTCAGCTCACTTA-3'
Protein context (NP_003897.2, residues 1175-1195): ELMERVMMEF[Val1185Ala]RETCSQELKN